The following is an entry in ClinVar:

NM_000321.3(RB1):c.2748G>C (p.Met916Ile)

Gene: RB1 (RB transcriptional corepressor 1; plus strand). Cytogenetic location: 13q14.2.
Variant type: single nucleotide variant.
Coding change: c.2748G>C on transcript NM_000321.3 (MANE Select); coding-DNA position 2748, G replaced by C.
Protein change: p.Met916Ile; replaces methionine 916 with isoleucine.
Molecular consequence: missense variant.
Genome position (GRCh38, 1-based): chr13:48,480,032, G>C. VCF-style: chr13-48480032-G-C. GRCh37 (hg19) VCF-style: chr13-49054168-G-C.
Other names: c.2767G>C, p.Glu923Gln (NM_001407165.1); c.198G>C, p.Met66Ile (NM_001407168.1); short protein forms M66I, E923Q, M916I.
Identifiers: ClinVar variation 5027932 (VCV005027932.1).

ClinVar aggregate classification (germline): Uncertain significance (1 of 4 stars; one submission).

Conditions:
Hereditary cancer-predisposing syndrome. Also called: Neoplastic Syndromes, Hereditary; Tumor predisposition; Hereditary neoplastic syndrome; Hereditary Cancer Syndrome. Identifiers: Orphanet 140162, MedGen C0027672, MeSH D009386, MONDO:0015356.

Submission:

Ambry Genetics
Classification: Uncertain significance for Hereditary cancer-predisposing syndrome. Last evaluated: 2026-07-06. Review status: criteria provided, single submitter. Criteria: Ambry Variant Classification Scheme 2023. Collection method: clinical testing. Allele origin: germline.
Comment: The p.M916I variant (also known as c.2748G>C), located in coding exon 27 of the RB1 gene, results from a G to C substitution at nucleotide position 2748. The methionine at codon 916 is replaced by isoleucine, an amino acid with highly similar properties. This amino acid position is conserved. In addition, this alteration is predicted to be tolerated by in silico analysis. Based on the available evidence, the clinical significance of this variant remains unclear.